The following is an entry in ClinVar:

NM_018136.5(ASPM):c.4796G>A (p.Arg1599Gln)

Gene: ASPM (assembly factor for spindle microtubules; minus strand). Cytogenetic location: 1q31.3.
Variant type: single nucleotide variant.
Coding change: c.4796G>A on transcript NM_018136.5 (MANE Select); coding-DNA position 4796, G replaced by A.
Protein change: p.Arg1599Gln; replaces arginine 1599 with glutamine.
Molecular consequence: missense variant. On other transcripts: intron variant (1).
Genome position (GRCh38, 1-based): chr1:197,104,455, C>T on the plus strand (G>A on the coding strand, the complement: ASPM is on the minus strand). VCF-style: chr1-197104455-C-T. GRCh37 (hg19) VCF-style: chr1-197073585-C-T.
Other names: c.4066-8291G>A (NM_001206846.2); c.4796G>A (NM_018136.4); short protein forms R1599Q.
Identifiers: ClinVar variation 286689 (VCV000286689.8), dbSNP rs62623433, ClinGen allele CA1309861.

ClinVar aggregate classification (germline): Uncertain significance. Review status: criteria provided, multiple submitters, no conflicts (2 of 4 stars). 4 submissions from 4 submitters: Uncertain significance (4). Last evaluated 2025-11-08.

Conditions:
Inborn genetic diseases. Identifiers: MedGen C0950123, MeSH D030342.
Microcephaly 5, primary, autosomal recessive (MCPH5). Also called: ASPM Primary Microcephaly. Identifiers: Orphanet 2512, MedGen C1837501, MONDO:0012106, OMIM 608716.

Allele frequency attached by ClinVar (database versions not stated): gnomAD exomes 0.00003 and 0.00004; ExAC 0.00004; gnomAD 0.00009; TOPMed 0.00015; 1000 Genomes Project 30x 0.00016; 1000 Genomes Project 0.00020; ESP Exome Variant Server 0.00031.
gnomAD v4.1: 63 of 1,612,718 alleles (0.0039%); highest among the groups gnomAD compares: African/African-American, 0.024%; no homozygotes.

Submissions (4):

Ambry Genetics
Classification: Uncertain significance for Inborn genetic diseases. Last evaluated: 2025-11-08. Review status: criteria provided, single submitter. Criteria: Ambry Variant Classification Scheme 2023. Collection method: clinical testing. Allele origin: germline.

Genome-Nilou Lab
Classification: Uncertain significance for Microcephaly 5, primary, autosomal recessive. Last evaluated: 2023-04-11. Review status: criteria provided, single submitter. Criteria: ACMG Guidelines, 2015. Collection method: clinical testing. Allele origin: germline. Affected: no.

Labcorp Genetics (formerly Invitae), Labcorp
Classification: Uncertain significance. Last evaluated: 2022-10-01. Review status: criteria provided, single submitter. Criteria: Invitae Variant Classification Sherloc (09022015). Collection method: clinical testing. Allele origin: germline.
Comment: This sequence change replaces arginine, which is basic and polar, with glutamine, which is neutral and polar, at codon 1599 of the ASPM protein (p.Arg1599Gln). This variant is present in population databases (rs62623433, gnomAD 0.05%). This variant has not been reported in the literature in individuals affected with ASPM-related conditions. ClinVar contains an entry for this variant (Variation ID: 286689). Advanced modeling of protein sequence and biophysical properties (such as structural, functional, and spatial information, amino acid conservation, physicochemical variation, residue mobility, and thermodynamic stability) performed at Invitae indicates that this missense variant is not expected to disrupt ASPM protein function. In summary, the available evidence is currently insufficient to determine the role of this variant in disease. Therefore, it has been classified as a Variant of Uncertain Significance.

Eurofins Ntd Llc (ga)
Classification: Uncertain significance. Last evaluated: 2016-03-24. Review status: criteria provided, single submitter. Criteria: EGL Classification Definitions 2015. Collection method: clinical testing. Allele origin: germline. Observed: 1 variant allele, 1 heterozygote.